The following is an entry in ClinVar:

ClinVar aggregate classification (germline): Uncertain significance (1 of 4 stars; one submission).

Submission:

Labcorp Genetics (formerly Invitae), Labcorp
Classification: Uncertain significance. Last evaluated: 2024-10-23. Review status: criteria provided, single submitter. Criteria: Invitae Variant Classification Sherloc (09022015). Collection method: clinical testing. Allele origin: germline.
Comment: This sequence change replaces alanine, which is neutral and non-polar, with aspartic acid, which is acidic and polar, at codon 702 of the TMPRSS15 protein (p.Ala702Asp). This variant is not present in population databases (gnomAD no frequency). This variant has not been reported in the literature in individuals affected with TMPRSS15-related conditions. An algorithm developed to predict the effect of missense changes on protein structure and function (PolyPhen-2) suggests that this variant is likely to be disruptive. In summary, the available evidence is currently insufficient to determine the role of this variant in disease. Therefore, it has been classified as a Variant of Uncertain Significance.

NM_002772.3(TMPRSS15):c.2105C>A (p.Ala702Asp)

Gene: TMPRSS15 (transmembrane serine protease 15; minus strand). Cytogenetic location: 21q21.1.
Variant type: single nucleotide variant.
Coding change: c.2105C>A on transcript NM_002772.3 (MANE Select); coding-DNA position 2105, C replaced by A.
Protein change: p.Ala702Asp; replaces alanine 702 with aspartic acid.
Molecular consequence: missense variant.
Genome position (GRCh38, 1-based): chr21:18,313,005, G>T on the plus strand (C>A on the coding strand, the complement: TMPRSS15 is on the minus strand). VCF-style: chr21-18313005-G-T. GRCh37 (hg19) VCF-style: chr21-19685322-G-T.
Other names: c.2240C>A, p.Ala747Asp (NM_001428056.1); c.2105C>A, p.Ala702Asp (NM_001428057.1); short protein forms A702D, A747D.
Identifiers: ClinVar variation 3652842 (VCV003652842.2).